The following is an entry in ClinVar:

NM_006842.3(SF3B2):c.1965G>A (p.Ser655=)

Gene: SF3B2 (splicing factor 3b subunit 2; plus strand). Cytogenetic location: 11q13.1.
Variant type: single nucleotide variant.
Coding change: c.1965G>A on transcript NM_006842.3 (MANE Select); coding-DNA position 1965, G replaced by A.
Protein change: p.Ser655=; no amino-acid change (serine 655 retained).
Molecular consequence: synonymous variant.
Genome position (GRCh38, 1-based): chr11:66,061,986, G>A. VCF-style: chr11-66061986-G-A. GRCh37 (hg19) VCF-style: chr11-65829457-G-A.
Identifiers: ClinVar variation 3770594 (VCV003770594.13).

ClinVar aggregate classification (germline): Likely benign (1 of 4 stars; one submission).

gnomAD v4.1: 7,307 of 1,611,774 alleles (0.45%); highest among the groups gnomAD compares: Middle Eastern, 0.56%; 36 homozygotes.

Submission:

CeGaT Center for Human Genetics Tuebingen
Classification: Likely benign. Last evaluated: 2026-02-01. Review status: criteria provided, single submitter. Criteria: CeGaT Center For Human Genetics Tuebingen Variant Classification Criteria Version 2. Collection method: clinical testing. Allele origin: germline. Affected: yes. Observed: 3 variant alleles.
Comment: SF3B2: BP4, BP7, BS2